The following is an entry in ClinVar:

ClinVar aggregate classification (germline): Conflicting classifications of pathogenicity. Review status: criteria provided, conflicting classifications (1 of 4 stars). 3 submissions from 3 submitters: Uncertain significance (1); Likely benign (2). Last evaluated 2024-10-21.

Conditions:
Alport syndrome. Also called: Hemorrhagic familial nephritis; Hemorrhagic hereditary nephritis; Congenital hereditary hematuria. Identifiers: Orphanet 63, MedGen C1567741, MONDO:0018965.

Allele frequency attached by ClinVar (database versions not stated): gnomAD exomes 0.00003 and 0.00009; gnomAD 0.00005 and 0.00006; TOPMed 0.00006; ExAC 0.00007.
gnomAD v4.1: 63 of 1,613,374 alleles (0.0039%); highest among the groups gnomAD compares: Non-Finnish European, 0.00093%; no homozygotes.

Submissions (3):

Labcorp Genetics (formerly Invitae), Labcorp
Classification: Likely benign. Last evaluated: 2024-10-21. Review status: criteria provided, single submitter. Criteria: Invitae Variant Classification Sherloc (09022015). Collection method: clinical testing. Allele origin: germline.

CeGaT Center for Human Genetics Tuebingen
Classification: Likely benign. Last evaluated: 2022-03-01. Review status: criteria provided, single submitter. Criteria: CeGaT Center For Human Genetics Tuebingen Variant Classification Criteria Version 2. Collection method: clinical testing. Allele origin: germline. Affected: yes. Observed: 1 variant allele.
Comment: COL4A3: BP4

Illumina Laboratory Services, Illumina
Classification: Uncertain significance for Alport syndrome. Last evaluated: 2018-01-12. Review status: criteria provided, single submitter. Criteria: ICSL Variant Classification Criteria 13 December 2019. Collection method: clinical testing. Allele origin: germline.

NM_000091.5(COL4A3):c.1576-6C>T

Genes: COL4A3 (collagen type IV alpha 3 chain; plus strand), MFF-DT (MFF divergent transcript; minus strand). Cytogenetic location: 2q36.3.
Variant type: single nucleotide variant.
Coding change: c.1576-6C>T on transcript NM_000091.5 (MANE Select); 6 bases into the intron before coding-DNA position 1576, C replaced by T.
Molecular consequence: intron variant.
Genome position (GRCh38, 1-based): chr2:227,270,764, C>T. VCF-style: chr2-227270764-C-T. GRCh37 (hg19) VCF-style: chr2-228135480-C-T.
Identifiers: ClinVar variation 897871 (VCV000897871.36), dbSNP rs202210023, ClinGen allele CA2146720.